The following is an entry in ClinVar:

NM_004259.7(RECQL5):c.2931C>T (p.Cys977=)

Gene: RECQL5 (RecQ like helicase 5; minus strand). Cytogenetic location: 17q25.1.
Variant type: single nucleotide variant.
Coding change: c.2931C>T on transcript NM_004259.7 (MANE Select); coding-DNA position 2931, C replaced by T.
Protein change: p.Cys977=; no amino-acid change (cysteine 977 retained).
Molecular consequence: synonymous variant.
Genome position (GRCh38, 1-based): chr17:75,627,467, G>A on the plus strand (C>T on the coding strand, the complement: RECQL5 is on the minus strand). VCF-style: chr17-75627467-G-A. GRCh37 (hg19) VCF-style: chr17-73623547-G-A.
Identifiers: ClinVar variation 3036767 (VCV003036767.2), dbSNP rs752006453, ClinGen allele CA8766866.

ClinVar aggregate classification (germline): Likely benign (0 of 4 stars; one submission).

Conditions:
RECQL5-related disorder. Also called: RECQL5-related condition.

Allele frequency attached by ClinVar (database versions not stated): ExAC 0.00001; gnomAD 0.00001; gnomAD exomes 0.00001; TOPMed 0.00002.
gnomAD v4.1: 41 of 1,613,618 alleles (0.0025%); highest among the groups gnomAD compares: East Asian, 0.0089%; no homozygotes.

Submission:

PreventionGenetics, part of Exact Sciences
Classification: Likely benign for RECQL5-related condition. Last evaluated: 2024-01-23. Review status: no assertion criteria provided. Collection method: clinical testing. Allele origin: germline.
Comment: This variant is classified as likely benign based on ACMG/AMP sequence variant interpretation guidelines (Richards et al. 2015 PMID: 25741868, with internal and published modifications).